The following is an entry in ClinVar:

ClinVar aggregate classification (germline): Uncertain significance (1 of 4 stars; one submission).

Submission:

Mayo Clinic Laboratories, Mayo Clinic
Classification: Uncertain significance. Last evaluated: 2025-04-02. Review status: criteria provided, single submitter. Criteria: ACMG Guidelines, 2015. Collection method: clinical testing. Allele origin: germline. Observed: 1 variant allele.
Comment: PM2_supporting

NM_000382.3(ALDH3A2):c.466G>A (p.Asp156Asn)

Gene: ALDH3A2 (aldehyde dehydrogenase 3 family member A2; plus strand). Cytogenetic location: 17p11.2.
Variant type: single nucleotide variant.
Coding change: c.466G>A on transcript NM_000382.3 (MANE Select); coding-DNA position 466, G replaced by A.
Protein change: p.Asp156Asn; replaces aspartic acid 156 with asparagine.
Molecular consequence: missense variant. On other transcripts: 5 prime UTR variant (1).
Genome position (GRCh38, 1-based): chr17:19,652,627, G>A. VCF-style: chr17-19652627-G-A. GRCh37 (hg19) VCF-style: chr17-19555940-G-A.
Other names: p.Asp156Asn; c.466G>A, p.Asp156Asn (NM_001031806.2, NM_001369136.1, NM_001369137.2 and 3 more transcripts); c.-223G>A (NM_001369148.2); short protein forms D156N.
Identifiers: ClinVar variation 4542138 (VCV004542138.1).